The following is an entry in ClinVar:

NM_080605.4(B3GALT6):c.818A>T (p.Asn273Ile)

Gene: B3GALT6 (beta-1,3-galactosyltransferase 6; plus strand). Cytogenetic location: 1p36.33.
Variant type: single nucleotide variant.
Coding change: c.818A>T on transcript NM_080605.4 (MANE Select); coding-DNA position 818, A replaced by T.
Protein change: p.Asn273Ile; replaces asparagine 273 with isoleucine.
Molecular consequence: missense variant.
Genome position (GRCh38, 1-based): chr1:1,233,096, A>T. VCF-style: chr1-1233096-A-T. GRCh37 (hg19) VCF-style: chr1-1168476-A-T.
Other names: short protein forms N273I.
Identifiers: ClinVar variation 2281447 (VCV002281447.3), dbSNP rs759357299, ClinGen allele CA337829792.

ClinVar aggregate classification (germline): Uncertain significance. Review status: criteria provided, multiple submitters, no conflicts (2 of 4 stars). 2 submissions from 2 submitters: Uncertain significance (2). Last evaluated 2024-02-05.

Conditions:
Inborn genetic diseases. Identifiers: MedGen C0950123, MeSH D030342.

gnomAD v4.1: 1 of 1,563,344 alleles (0.000064%); highest among the groups gnomAD compares: Non-Finnish European, 0.000086%; no homozygotes.

Submissions (2):

GeneDx
Classification: Uncertain significance. Last evaluated: 2024-02-05. Review status: criteria provided, single submitter. Criteria: GeneDx Variant Classification Process June 2021. Collection method: clinical testing. Allele origin: germline. Affected: yes.
Comment: Not observed at significant frequency in large population cohorts (gnomAD); In silico analysis supports that this missense variant has a deleterious effect on protein structure/function; Has not been previously published as pathogenic or benign to our knowledge

Ambry Genetics
Classification: Uncertain significance for Inborn genetic diseases. Last evaluated: 2022-04-07. Review status: criteria provided, single submitter. Criteria: Ambry Variant Classification Scheme 2023. Collection method: clinical testing. Allele origin: germline.